The following is an entry in ClinVar:

ClinVar aggregate classification (germline): Benign/Likely benign. Review status: criteria provided, multiple submitters, no conflicts (2 of 4 stars). 4 submissions from 4 submitters: Benign (1); Likely benign (3). Last evaluated 2026-01-12.

Conditions:
Early-infantile DEE. Also called: Ohtahara syndrome; Early infantile epileptic encephalopathy; Early infantile epileptic encephalopathy with suppression bursts. Identifiers: Orphanet 1934, MedGen C0393706, MONDO:0800491.
Inborn genetic diseases. Identifiers: MedGen C0950123, MeSH D030342.

Allele frequency attached by ClinVar (database versions not stated): gnomAD exomes 0.00015 and 0.00031; TOPMed 0.00017; gnomAD 0.00021 and 0.00022; ESP Exome Variant Server 0.00024; ExAC 0.00026.
gnomAD v4.1: 286 of 1,613,954 alleles (0.018%); highest among the groups gnomAD compares: Middle Eastern, 0.033%; no homozygotes.

Submissions (4):

Labcorp Genetics (formerly Invitae), Labcorp
Classification: Likely benign for Early-infantile DEE. Last evaluated: 2026-01-12. Review status: criteria provided, single submitter. Criteria: Invitae Variant Classification Sherloc (09022015). Collection method: clinical testing. Allele origin: germline.

Blueprint Genetics
Classification: Likely benign. Last evaluated: 2024-09-24. Review status: criteria provided, single submitter. Criteria: ACMG Guidelines, 2015. Collection method: clinical testing. Allele origin: germline.

Ambry Genetics
Classification: Likely benign for Inborn genetic diseases. Last evaluated: 2016-07-28. Review status: criteria provided, single submitter. Criteria: Ambry Variant Classification Scheme 2023. Collection method: clinical testing. Allele origin: germline.

GeneDx
Classification: Benign. Last evaluated: 2014-07-30. Review status: criteria provided, single submitter. Criteria: GeneDx Variant Classification (06012015). Collection method: clinical testing. Allele origin: germline. Affected: yes.
Comment: This variant is considered likely benign or benign based on one or more of the following criteria: it is a conservative change, it occurs at a poorly conserved position in the protein, it is predicted to be benign by multiple in silico algorithms, and/or has population frequency not consistent with disease.

NM_001330260.2(SCN8A):c.751C>T (p.Leu251=)

Gene: SCN8A (sodium voltage-gated channel alpha subunit 8; plus strand). Cytogenetic location: 12q13.13.
Variant type: single nucleotide variant.
Coding change: c.751C>T on transcript NM_001330260.2 (MANE Select); coding-DNA position 751, C replaced by T.
Protein change: p.Leu251=; no amino-acid change (leucine 251 retained).
Molecular consequence: synonymous variant.
Genome position (GRCh38, 1-based): chr12:51,699,614, C>T. VCF-style: chr12-51699614-C-T. GRCh37 (hg19) VCF-style: chr12-52093398-C-T.
Other names: p.L251L:CTG>TTG; c.751C>T, p.Leu251= (NM_001177984.3, NM_001369788.1, NM_014191.4).
Identifiers: ClinVar variation 207095 (VCV000207095.17), dbSNP rs200307006, ClinGen allele CA318229.
Genomic context (GRCh38, chr12:51,699,614, plus strand): 5'-GATTCTGTCTCCTCAGGCCTGAAGACAATTGTGGGTGCCCTGATTCAGTCTGTGAAGAAA[C>T]TGTCAGATGTGATGATCCTGACAGTGTTCTGCCTGAGTGTTTTTGCCTTGATCGGACTGC-3'
Protein context (NP_001317189.1, residues 241-261): VGALIQSVKK[Leu251=]SDVMILTVFC